The following is an entry in ClinVar:

NM_000255.4(MMUT):c.1879del (p.His627fs)

Gene: MMUT (methylmalonyl-CoA mutase; minus strand). Cytogenetic location: 6p12.3.
Variant type: Deletion.
Coding change: c.1879del on transcript NM_000255.4 (MANE Select); coding-DNA position 1879, one base deleted (C; older notation c.1879delC).
Protein change: p.His627fs; shifts the reading frame from histidine 627.
Molecular consequence: frameshift variant.
Genome position (GRCh38, 1-based): chr6:49,440,283, G deleted on the plus strand (C on the coding strand, the reverse complement: MMUT is on the minus strand); the first of 2 consecutive G bases (chr6:49,440,283-49,440,284); deleting either gives the same sequence. VCF-style (leftmost placement, unchanged base first): chr6-49440282-TG-T. GRCh37 (hg19) VCF-style: chr6-49407995-TG-T.
Other names: short protein forms H627fs.
Identifiers: ClinVar variation 5013403 (VCV005013403.1).

ClinVar aggregate classification (germline): Pathogenic (1 of 4 stars; one submission).

Conditions:
Methylmalonic aciduria due to methylmalonyl-CoA mutase deficiency (MAMM). Also called: Methylmalonic aciduria, mut type. Identifiers: Orphanet 27, MedGen C1855114, MONDO:0009612, OMIM 251000.

Submission:

Myriad Genetics, Inc.
Classification: Pathogenic for Methylmalonic aciduria due to methylmalonyl-CoA mutase deficiency. Last evaluated: 2024-08-02. Review status: criteria provided, single submitter. Criteria: Myriad Autosomal Dominant, Autosomal Recessive and X-Linked Classification Criteria (2023). Collection method: clinical testing. Allele origin: unknown.
Comment: NM_000255.3(MMUT):c.1879delC(H627Mfs*21) is expected to be pathogenic in the context of methylmalonic acidemia, MMUT-related. This variant is predicted to lead to an abnormal or absent protein product due to the creation of a premature termination codon in MMUT, a gene where loss-of-function variants are known to be pathogenic. Please note: this variant was assessed in the context of healthy population screening.